The following is an entry in ClinVar:

NM_007272.3(CTRC):c.322C>A (p.His108Asn)

Gene: CTRC (chymotrypsin C; plus strand). Cytogenetic location: 1p36.21.
Variant type: single nucleotide variant.
Coding change: c.322C>A on transcript NM_007272.3 (MANE Select); coding-DNA position 322, C replaced by A.
Protein change: p.His108Asn; replaces histidine 108 with asparagine.
Molecular consequence: missense variant.
Genome position (GRCh38, 1-based): chr1:15,442,538, C>A. VCF-style: chr1-15442538-C-A. GRCh37 (hg19) VCF-style: chr1-15769034-C-A.
Other names: short protein forms H108N.
Identifiers: ClinVar variation 3837299 (VCV003837299.1).

ClinVar aggregate classification (germline): Uncertain significance (1 of 4 stars; one submission).

Conditions:
Hereditary pancreatitis (PCTT). Also called: PRSS1-Related Hereditary Pancreatitis; Hereditary chronic pancreatitis. Identifiers: Orphanet 676, MedGen C0238339, MONDO:0008185, OMIM 167800.

Submission:

Ambry Genetics
Classification: Uncertain significance for Hereditary pancreatitis. Last evaluated: 2025-03-10. Review status: criteria provided, single submitter. Criteria: Ambry Variant Classification Scheme 2023. Collection method: clinical testing. Allele origin: germline.
Comment: The p.H108N variant (also known as c.322C>A), located in coding exon 4 of the CTRC gene, results from a C to A substitution at nucleotide position 322. The histidine at codon 108 is replaced by asparagine, an amino acid with similar properties. This amino acid position is conserved. In addition, this alteration is predicted to be tolerated by in silico analysis. Based on the available evidence, the clinical significance of this variant remains unclear.